The following is an entry in ClinVar:

ClinVar aggregate classification (germline): Likely pathogenic (0 of 4 stars; one submission).

Conditions:
COL4A1-related disorder. Also called: COL4A1-related disorders; COL4A1-related condition. Identifiers: MedGen CN376119, MONDO:0800461.

Submission:

PreventionGenetics, part of Exact Sciences
Classification: Likely pathogenic for COL4A1-related condition. Last evaluated: 2024-08-15. Review status: no assertion criteria provided. Collection method: clinical testing. Allele origin: germline.
Comment: The COL4A1 c.2096-2delA variant is predicted to result in a deletion affecting a canonical splice site. To our knowledge, this variant has not been reported in the literature or in a large population database, indicating this variant is rare. Variants that disrupt the consensus splice acceptor site in COL4A1 are expected to be pathogenic. This variant is interpreted as likely pathogenic.

NM_001845.6(COL4A1):c.2096-2del

Gene: COL4A1 (collagen type IV alpha 1 chain; minus strand). Cytogenetic location: 13q34.
Variant type: Deletion.
Coding change: c.2096-2del on transcript NM_001845.6 (MANE Select); the canonical splice acceptor site of the intron before coding-DNA position 2096, one base deleted (A; older notation c.2096-2delA).
Molecular consequence: splice acceptor variant.
Genome position (GRCh38, 1-based): chr13:110,181,391, T deleted on the plus strand (A on the coding strand, the reverse complement: COL4A1 is on the minus strand). VCF-style (leftmost placement, unchanged base first): chr13-110181390-CT-C. GRCh37 (hg19) VCF-style: chr13-110833737-CT-C.
Identifiers: ClinVar variation 3345064 (VCV003345064.1).